The following is an entry in ClinVar:

ClinVar aggregate classification (germline): Uncertain significance (1 of 4 stars; one submission).

gnomAD v4.1: 1 of 1,613,930 alleles (0.000062%); highest among the groups gnomAD compares: Non-Finnish European, 0.000085%; no homozygotes.

Submission:

GeneDx
Classification: Uncertain significance. Last evaluated: 2025-12-17. Review status: criteria provided, single submitter. Criteria: GeneDx Variant Classification Process June 2021. Collection method: clinical testing. Allele origin: germline.
Comment: Not observed at significant frequency in large population cohorts (gnomAD); In silico analysis supports that this missense variant has a deleterious effect on protein structure/function; Has not been previously published as pathogenic or benign to our knowledge

NM_001164760.2(PRKAR1B):c.790C>A (p.Arg264Ser)

Gene: PRKAR1B (protein kinase cAMP-dependent type I regulatory subunit beta; minus strand). Cytogenetic location: 7p22.3.
Variant type: single nucleotide variant.
Coding change: c.790C>A on transcript NM_001164760.2 (MANE Select); coding-DNA position 790, C replaced by A.
Protein change: p.Arg264Ser; replaces arginine 264 with serine.
Molecular consequence: missense variant.
Genome position (GRCh38, 1-based): chr7:579,357, G>T on the plus strand (C>A on the coding strand, the complement: PRKAR1B is on the minus strand). VCF-style: chr7-579357-G-T. GRCh37 (hg19) VCF-style: chr7-618994-G-T.
Other names: c.790C>A, p.Arg264Ser (NM_001164758.2, NM_001164759.1, NM_001164761.2 and 2 more transcripts); short protein forms R264S.
Identifiers: ClinVar variation 3900593 (VCV003900593.2).